The following is an entry in ClinVar:

NM_003000.3(SDHB):c.442G>T (p.Ala148Ser)

Gene: SDHB (succinate dehydrogenase complex iron sulfur subunit B; minus strand). Cytogenetic location: 1p36.13.
Variant type: single nucleotide variant.
Coding change: c.442G>T on transcript NM_003000.3 (MANE Select); coding-DNA position 442, G replaced by T.
Protein change: p.Ala148Ser; replaces alanine 148 with serine.
Molecular consequence: missense variant.
Genome position (GRCh38, 1-based): chr1:17,027,847, C>A on the plus strand (G>T on the coding strand, the complement: SDHB is on the minus strand). VCF-style: chr1-17027847-C-A. GRCh37 (hg19) VCF-style: chr1-17354342-C-A.
Other names: c.388G>T, p.Ala130Ser (NM_001407361.1); short protein forms A148S, A130S.
Identifiers: ClinVar variation 1740548 (VCV001740548.8), dbSNP rs2078000133, ClinGen allele CA338273327.

ClinVar aggregate classification (germline): Uncertain significance. Review status: criteria provided, multiple submitters, no conflicts (2 of 4 stars). 2 submissions from 2 submitters: Uncertain significance (2). Last evaluated 2025-06-06.

Conditions:
Pheochromocytoma. Also called: MAX-Related Hereditary Paraganglioma-Pheochromocytoma Syndrome. Identifiers: Orphanet 29072, MedGen C0031511, MONDO:0008233, OMIM 171300, HP:0002666.
Pheochromocytoma/paraganglioma syndrome 4. Also called: CAROTID BODY TUMORS AND MULTIPLE EXTRAADRENAL PHEOCHROMOCYTOMAS; PARAGANGLIOMA, FAMILIAL MALIGNANT; PARAGANGLIOMAS, HEREDITARY EXTRAADRENAL; PHEOCHROMOCYTOMA, FAMILIAL EXTRAADRENAL; Paragangliomas 4; SDHB-Related Hereditary Paraganglioma-Pheochromocytoma Syndrome (Paragangliomas 4). Identifiers: Orphanet 29072, MedGen C1861848, MONDO:0007273, OMIM 115310.
Gastrointestinal stromal tumor. Also called: Gastrointestinal stromal tumor, somatic; Gastrointestinal stroma tumor. Identifiers: Orphanet 44890, MedGen C0238198, MeSH D046152, MONDO:0011719, OMIM 606764, HP:0100723.
Hereditary cancer-predisposing syndrome. Also called: Neoplastic Syndromes, Hereditary; Tumor predisposition; Hereditary Cancer Syndrome; Hereditary neoplastic syndrome. Identifiers: Orphanet 140162, MedGen C0027672, MeSH D009386, MONDO:0015356.

Submissions (2):

Ambry Genetics
Classification: Uncertain significance for Hereditary cancer-predisposing syndrome. Last evaluated: 2025-06-06. Review status: criteria provided, single submitter. Criteria: Ambry Variant Classification Scheme 2023. Collection method: clinical testing. Allele origin: germline.
Comment: The p.A148S variant (also known as c.442G>T), located in coding exon 5 of the SDHB gene, results from a G to T substitution at nucleotide position 442. The alanine at codon 148 is replaced by serine, an amino acid with similar properties. This amino acid position is highly conserved in available vertebrate species. In addition, this alteration is predicted to be deleterious by in silico analysis. Based on the available evidence, the clinical significance of this variant remains unclear.

Labcorp Genetics (formerly Invitae), Labcorp
Classification: Uncertain significance for Gastrointestinal stromal tumor; Pheochromocytoma/paraganglioma syndrome 4; Pheochromocytoma. Last evaluated: 2025-03-03. Review status: criteria provided, single submitter. Criteria: Invitae Variant Classification Sherloc (09022015). Collection method: clinical testing. Allele origin: germline.
Comment: This sequence change replaces alanine, which is neutral and non-polar, with serine, which is neutral and polar, at codon 148 of the SDHB protein (p.Ala148Ser). This variant is not present in population databases (gnomAD no frequency). This variant has not been reported in the literature in individuals affected with SDHB-related conditions. ClinVar contains an entry for this variant (Variation ID: 1740548). Invitae Evidence Modeling of protein sequence and biophysical properties (such as structural, functional, and spatial information, amino acid conservation, physicochemical variation, residue mobility, and thermodynamic stability) indicates that this missense variant is not expected to disrupt SDHB protein function with a negative predictive value of 80%. In summary, the available evidence is currently insufficient to determine the role of this variant in disease. Therefore, it has been classified as a Variant of Uncertain Significance.